The following is an entry in ClinVar:

ClinVar aggregate classification (germline): Uncertain significance (1 of 4 stars; one submission).

Conditions:
Inborn genetic diseases. Identifiers: MedGen C0950123, MeSH D030342.

Allele frequency attached by ClinVar (database versions not stated): ExAC 0.00001; TOPMed 0.00002.
gnomAD v4.1: 9 of 1,211,571 alleles (0.00074%); highest among the groups gnomAD compares: Non-Finnish European, 0.001%; 1 homozygote.

Submission:

Ambry Genetics
Classification: Uncertain significance for Inborn genetic diseases. Last evaluated: 2023-01-05. Review status: criteria provided, single submitter. Criteria: Ambry Variant Classification Scheme 2023. Collection method: clinical testing. Allele origin: germline.
Comment: The c.2173G>A (p.V725I) alteration is located in exon 3 (coding exon 3) of the PTCHD1 gene. This alteration results from a G to A substitution at nucleotide position 2173, causing the valine (V) at amino acid position 725 to be replaced by an isoleucine (I). Based on data from gnomAD, the A allele has an overall frequency of 0.001% (2/205307) total alleles studied. The highest observed frequency was 0.002% (2/92670) of European (non-Finnish) alleles. This amino acid position is well conserved in available vertebrate species. This alteration is predicted to be tolerated by in silico analysis. Based on insufficient or conflicting evidence, the clinical significance of this alteration remains unclear.

NM_173495.3(PTCHD1):c.2173G>A (p.Val725Ile)

Gene: PTCHD1 (patched domain containing 1; plus strand). Cytogenetic location: Xp22.11.
Variant type: single nucleotide variant.
Coding change: c.2173G>A on transcript NM_173495.3 (MANE Select); coding-DNA position 2173, G replaced by A.
Protein change: p.Val725Ile; replaces valine 725 with isoleucine.
Molecular consequence: missense variant.
Genome position (GRCh38, 1-based): chrX:23,393,691, G>A. VCF-style: chrX-23393691-G-A. GRCh37 (hg19) VCF-style: chrX-23411808-G-A.
Other names: short protein forms V725I.
Identifiers: ClinVar variation 2469057 (VCV002469057.2), dbSNP rs753840664, ClinGen allele CA10369219.